The following is an entry in ClinVar:

ClinVar aggregate classification (germline): Benign (1 of 4 stars; one submission).

Conditions:
Tyrosinase-positive oculocutaneous albinism (OCA2). Also called: Oculocutaneous albinism type 2; Albinism, oculocutaneous, type II; ALBINISM II. Identifiers: Orphanet 79432, MedGen C0268495, MONDO:0008746, OMIM 203200.

Allele frequency attached by ClinVar (database versions not stated): gnomAD exomes 0.00211 and 0.00549; ExAC 0.00670; 1000 Genomes Project 0.01937; 1000 Genomes Project 30x 0.02092; gnomAD 0.02130 and 0.02314; TOPMed 0.02462; ESP Exome Variant Server 0.02653.
gnomAD v4.1: 5,996 of 1,381,618 alleles (0.43%); highest among the groups gnomAD compares: African/African-American, 7.5%; 212 homozygotes.

Submission:

Illumina Laboratory Services, Illumina
Classification: Benign for Tyrosinase-positive oculocutaneous albinism. Last evaluated: 2018-01-13. Review status: criteria provided, single submitter. Criteria: ICSL Variant Classification Criteria 13 December 2019. Collection method: clinical testing. Allele origin: germline.
Comment: This variant was observed in the ICSL laboratory as part of a predisposition screen in an ostensibly healthy population. It had not been previously curated by ICSL or reported in the Human Gene Mutation Database (HGMD: prior to June 1st, 2018), and was therefore a candidate for classification through an automated scoring system. Utilizing variant allele frequency, disease prevalence and penetrance estimates, and inheritance mode, an automated score was calculated to assess if this variant is too frequent to cause the disease. Based on the score and internal cut-off values, a variant classified as benign is not then subjected to further curation. The score for this variant resulted in a classification of benign for this disease.

NM_000275.3(OCA2):c.*50A>G

Gene: OCA2 (OCA2 melanosomal transmembrane protein; minus strand). Cytogenetic location: 15q12.
Variant type: single nucleotide variant.
Coding change: c.*50A>G on transcript NM_000275.3 (MANE Select); 50 bases downstream of the stop codon, A replaced by G.
Molecular consequence: 3 prime UTR variant.
Genome position (GRCh38, 1-based): chr15:27,755,338, T>C on the plus strand (A>G on the coding strand, the complement: OCA2 is on the minus strand). VCF-style: chr15-27755338-T-C. GRCh37 (hg19) VCF-style: chr15-28000484-T-C.
Other names: c.*50A>G (NM_001300984.2).
Identifiers: ClinVar variation 315457 (VCV000315457.5), dbSNP rs7175266, ClinGen allele CA7438535.
Genomic context (GRCh38, chr15:27,755,338, plus strand): 5'-CAGGGTAAGCACCTTTTCTTCTTCAAACAGTGGGGTCAGGGTAGTTTTATGACTAATGGG[T>C]TGTGATGGATGAAGTTTCCTTTAGTCTTCGAGCAATAGATGGATGTCTATTAATTCCATC-3'